The following is an entry in ClinVar:

NM_001005273.3(CHD3):c.854G>A (p.Arg285Gln)

Genes: CHD3 (chromodomain helicase DNA binding protein 3; plus strand), LOC126862484 (CDK7 strongly-dependent group 2 enhancer GRCh37_chr17:7797066-7798265; plus strand). Cytogenetic location: 17p13.1.
Variant type: single nucleotide variant.
Coding change: c.854G>A on transcript NM_001005273.3 (MANE Select); coding-DNA position 854, G replaced by A.
Protein change: p.Arg285Gln; replaces arginine 285 with glutamine.
Molecular consequence: missense variant.
Genome position (GRCh38, 1-based): chr17:7,893,865, G>A. VCF-style: chr17-7893865-G-A. GRCh37 (hg19) VCF-style: chr17-7797183-G-A.
Other names: c.1031G>A, p.Arg344Gln (NM_001005271.3); c.854G>A, p.Arg285Gln (NM_005852.4); short protein forms R285Q, R344Q.
Identifiers: ClinVar variation 3266844 (VCV003266844.2).

ClinVar aggregate classification (germline): Likely benign. Review status: criteria provided, multiple submitters, no conflicts (2 of 4 stars). 2 submissions from 2 submitters: Likely benign (2). Last evaluated 2025-11-12.

Conditions:
Inborn genetic diseases. Identifiers: MedGen C0950123, MeSH D030342.

Submissions (2):

Women's Health and Genetics/Laboratory Corporation of America, LabCorp
Classification: Likely benign. Last evaluated: 2025-11-12. Review status: criteria provided, single submitter. Criteria: LabCorp Variant Classification Summary - May 2015. Collection method: clinical testing. Allele origin: germline.
Comment: Variant summary: CHD3 c.854G>A (p.Arg285Gln) results in a conservative amino acid change in the encoded protein sequence. Algorithms developed to predict the effect of missense changes on protein structure and function are either unavailable or do not agree on the potential impact of this missense change. The variant allele was found at a frequency of 5.6e-06 in 1606916 control chromosomes in the gnomAD database (v4.1 dataset). The occurrence in several carriers suggests that this variant is likely not associated with a high penetrance, severe, early onset disease phenotype in heterozygous state. To our knowledge, no occurrence of c.854G>A in individuals affected with CHD3-related conditions and no experimental evidence demonstrating its impact on protein function have been reported. ClinVar contains an entry for this variant (Variation ID: 3266844). Based on the evidence outlined above, the variant was classified as likely benign.

Ambry Genetics
Classification: Likely benign for Inborn genetic diseases. Last evaluated: 2024-03-26. Review status: criteria provided, single submitter. Criteria: Ambry Variant Classification Scheme 2023. Collection method: clinical testing. Allele origin: germline.